The following is an entry in ClinVar:

NM_152305.3(POGLUT1):c.797A>G (p.Lys266Arg)

Gene: POGLUT1 (protein O-glucosyltransferase 1; plus strand). Cytogenetic location: 3q13.33.
Variant type: single nucleotide variant.
Coding change: c.797A>G on transcript NM_152305.3 (MANE Select); coding-DNA position 797, A replaced by G.
Protein change: p.Lys266Arg; replaces lysine 266 with arginine.
Molecular consequence: missense variant. On other transcripts: non-coding transcript variant (1).
Genome position (GRCh38, 1-based): chr3:119,488,987, A>G. VCF-style: chr3-119488987-A-G. GRCh37 (hg19) VCF-style: chr3-119207834-A-G.
Other names: short protein forms K266R.
Identifiers: ClinVar variation 1437740 (VCV001437740.6), dbSNP rs780036147, ClinGen allele CA2554969.

ClinVar aggregate classification (germline): Uncertain significance (1 of 4 stars; one submission).

Allele frequency attached by ClinVar (database versions not stated): gnomAD exomes 0.00001 and 0.00003; ExAC 0.00002; TOPMed 0.00002.
gnomAD v4.1: 7 of 1,562,246 alleles (0.00045%); highest among the groups gnomAD compares: East Asian, 0.016%; no homozygotes.

Submission:

Labcorp Genetics (formerly Invitae), Labcorp
Classification: Uncertain significance. Last evaluated: 2021-10-10. Review status: criteria provided, single submitter. Criteria: Invitae Variant Classification Sherloc (09022015). Collection method: clinical testing. Allele origin: germline.
Comment: This sequence change replaces lysine with arginine at codon 266 of the POGLUT1 protein (p.Lys266Arg). There is a small physicochemical difference between lysine and arginine. This variant is present in population databases (rs780036147, ExAC 0.02%). This variant has not been reported in the literature in individuals affected with POGLUT1-related conditions. Algorithms developed to predict the effect of missense changes on protein structure and function output the following: SIFT: "Not Available"; PolyPhen-2: "Benign"; Align-GVGD: "Not Available". The arginine amino acid residue is found in multiple mammalian species, which suggests that this missense change does not adversely affect protein function. Algorithms developed to predict the effect of sequence changes on RNA splicing suggest that this variant may create or strengthen a splice site. In summary, the available evidence is currently insufficient to determine the role of this variant in disease. Therefore, it has been classified as a Variant of Uncertain Significance.